The following is an entry in ClinVar:

ClinVar aggregate classification (germline): Uncertain significance. Review status: criteria provided, multiple submitters, no conflicts (2 of 4 stars). 2 submissions from 2 submitters: Uncertain significance (2). Last evaluated 2023-11-27.

Conditions:
COG5-congenital disorder of glycosylation. Also called: COG5-CDG; CDG IIi; CONGENITAL DISORDER OF GLYCOSYLATION, TYPE IIi. Identifiers: Orphanet 263487, MedGen C3150876, MONDO:0013325, OMIM 613612.

Allele frequency attached by ClinVar (database versions not stated): gnomAD exomes 0.00004 and 0.00011; ExAC 0.00005; TOPMed 0.00006; gnomAD 0.00007 and 0.00008.
gnomAD v4.1: 165 of 1,607,946 alleles (0.01%); highest among the groups gnomAD compares: Non-Finnish European, 0.014%; no homozygotes.

Submissions (2):

Labcorp Genetics (formerly Invitae), Labcorp
Classification: Uncertain significance for COG5-congenital disorder of glycosylation. Last evaluated: 2023-11-27. Review status: criteria provided, single submitter. Criteria: Invitae Variant Classification Sherloc (09022015). Collection method: clinical testing. Allele origin: germline.
Comment: This sequence change replaces glutamine, which is neutral and polar, with lysine, which is basic and polar, at codon 625 of the COG5 protein (p.Gln625Lys). This variant is present in population databases (rs754614179, gnomAD 0.01%). This variant has not been reported in the literature in individuals affected with COG5-related conditions. ClinVar contains an entry for this variant (Variation ID: 909584). An algorithm developed to predict the effect of missense changes on protein structure and function (PolyPhen-2) suggests that this variant¬†is likely to be tolerated. In summary, the available evidence is currently insufficient to determine the role of this variant in disease. Therefore, it has been classified as a Variant of Uncertain Significance.

Illumina Laboratory Services, Illumina
Classification: Uncertain significance for COG5-congenital disorder of glycosylation. Last evaluated: 2018-01-13. Review status: criteria provided, single submitter. Criteria: ICSL Variant Classification Criteria 13 December 2019. Collection method: clinical testing. Allele origin: germline.

NM_006348.5(COG5):c.1780C>A (p.Gln594Lys)

Gene: COG5 (component of oligomeric golgi complex 5; minus strand). Cytogenetic location: 7q22.3.
Variant type: single nucleotide variant.
Coding change: c.1780C>A on transcript NM_006348.5 (MANE Select); coding-DNA position 1780, C replaced by A.
Protein change: p.Gln594Lys; replaces glutamine 594 with lysine.
Molecular consequence: missense variant.
Genome position (GRCh38, 1-based): chr7:107,248,469, G>T on the plus strand (C>A on the coding strand, the complement: COG5 is on the minus strand). VCF-style: chr7-107248469-G-T. GRCh37 (hg19) VCF-style: chr7-106888914-G-T.
Other names: c.1780C>A, p.Gln594Lys (NM_001161520.2, NM_001379513.1, NM_001379514.1); c.1618C>A, p.Gln540Lys (NM_001379511.1); c.1606C>A, p.Gln536Lys (NM_001379512.1); c.1210C>A, p.Gln404Lys (NM_001379515.1); c.1066C>A, p.Gln356Lys (NM_001379516.1); c.1717C>A, p.Gln573Lys (NM_181733.4); short protein forms Q594K, Q573K, Q536K, Q540K, Q404K, Q356K.
Identifiers: ClinVar variation 909584 (VCV000909584.10), dbSNP rs754614179, ClinGen allele CA4430781.